The following is an entry in ClinVar:

NM_000038.6(APC):c.7414G>A (p.Ala2472Thr)

Gene: APC (APC regulator of Wnt signaling pathway; plus strand). Cytogenetic location: 5q22.2.
Variant type: single nucleotide variant.
Coding change: c.7414G>A on transcript NM_000038.6 (MANE Select); coding-DNA position 7414, G replaced by A.
Protein change: p.Ala2472Thr; replaces alanine 2472 with threonine.
Molecular consequence: missense variant.
Genome position (GRCh38, 1-based): chr5:112,843,008, G>A. VCF-style: chr5-112843008-G-A. GRCh37 (hg19) VCF-style: chr5-112178705-G-A.
Other names: c.7414G>A, p.Ala2472Thr (NM_001127510.3, NM_001354895.2); c.7360G>A, p.Ala2454Thr (NM_001127511.3); c.7468G>A, p.Ala2490Thr (NM_001354896.2); c.7444G>A, p.Ala2482Thr (NM_001354897.2); c.7339G>A, p.Ala2447Thr (NM_001354898.2); c.7330G>A, p.Ala2444Thr (NM_001354899.2); c.7291G>A, p.Ala2431Thr (NM_001354900.2); c.7237G>A, p.Ala2413Thr (NM_001354901.2); and 5 more; short protein forms A2381T, A2431T, A2447T, A2312T, A2346T, A2454T, A2472T, A2444T.
Identifiers: ClinVar variation 827029 (VCV000827029.13), dbSNP rs1580682363, ClinGen allele CA16037467.
Genomic context (GRCh38, chr5:112,843,008, plus strand): 5'-TTAAGAAGAAAATTGGAGGAATCTGCTTCATTTGAATCTCTTTCTCCATCATCTAGACCA[G>A]CTTCTCCCACTAGGTCCCAGGCACAAACTCCAGTTTTAAGTCCTTCCCTTCCTGATATGT-3'
Protein context (NP_000029.2, residues 2462-2482): FESLSPSSRP[Ala2472Thr]SPTRSQAQTP

ClinVar aggregate classification (germline): Uncertain significance. Review status: criteria provided, multiple submitters, no conflicts (2 of 4 stars). 3 submissions from 3 submitters: Uncertain significance (3). Last evaluated 2023-06-08.

Conditions:
Hereditary cancer-predisposing syndrome. Also called: Neoplastic Syndromes, Hereditary; Tumor predisposition; Hereditary neoplastic syndrome; Hereditary Cancer Syndrome. Identifiers: Orphanet 140162, MedGen C0027672, MeSH D009386, MONDO:0015356.
Classic or attenuated familial adenomatous polyposis. Identifiers: MedGen CN372698, MONDO:0021057.
Familial adenomatous polyposis 1 (FAP1). Also called: POLYPOSIS, ADENOMATOUS INTESTINAL; FAMILIAL ADENOMATOUS POLYPOSIS 1, ATTENUATED. Identifiers: MedGen C2713442, MONDO:0021056, OMIM 175100. Disease mechanism: loss of function.

gnomAD v4.1: 3 of 1,614,042 alleles (0.00019%); highest among the groups gnomAD compares: Non-Finnish European, 0.00025%; no homozygotes.

Submissions (3):

All of Us Research Program, National Institutes of Health
Classification: Uncertain significance for Classic or attenuated familial adenomatous polyposis. Last evaluated: 2023-06-08. Review status: criteria provided, single submitter. Criteria: ACMG Guidelines, 2015. Collection method: clinical testing. Allele origin: germline. Inheritance: Autosomal dominant inheritance. Observed: 1 variant allele, 1 heterozygote.
Comment: This missense variant replaces alanine with threonine at codon 2472 of the APC protein. Computational prediction suggests that this variant may not impact protein structure and function (internally defined REVEL score threshold <= 0.5, PMID: 27666373). To our knowledge, functional studies have not been reported for this variant. This variant has not been reported in individuals affected with APC-related disorders in the literature. This variant has not been identified in the general population by the Genome Aggregation Database (gnomAD). The available evidence is insufficient to determine the role of this variant in disease conclusively. Therefore, this variant is classified as a Variant of Uncertain Significance.

This study involves interpretation of variants in research participants for the purpose of population health screening. Participant phenotype was not available at the time of variant classification. Additional details can be found in publication PMID: 35346344, PMCID: PMC8962531

Labcorp Genetics (formerly Invitae), Labcorp
Classification: Uncertain significance for Familial adenomatous polyposis 1. Last evaluated: 2021-07-23. Review status: criteria provided, single submitter. Criteria: Invitae Variant Classification Sherloc (09022015). Collection method: clinical testing. Allele origin: germline.
Comment: This sequence change replaces alanine with threonine at codon 2472 of the APC protein (p.Ala2472Thr). The alanine residue is weakly conserved and there is a small physicochemical difference between alanine and threonine. ClinVar contains an entry for this variant (Variation ID: 827029). This variant has not been reported in the literature in individuals affected with APC-related conditions. This variant is not present in population databases (ExAC no frequency). Algorithms developed to predict the effect of missense changes on protein structure and function (SIFT, PolyPhen-2, Align-GVGD) all suggest that this variant is likely to be tolerated. In summary, the available evidence is currently insufficient to determine the role of this variant in disease. Therefore, it has been classified as a Variant of Uncertain Significance.

Ambry Genetics
Classification: Uncertain significance for Hereditary cancer-predisposing syndrome. Last evaluated: 2018-01-17. Review status: criteria provided, single submitter. Criteria: Ambry Variant Classification Scheme 2023. Collection method: clinical testing. Allele origin: germline.
Comment: The p.A2472T variant (also known as c.7414G>A), located in coding exon 15 of the APC gene, results from a G to A substitution at nucleotide position 7414. The alanine at codon 2472 is replaced by threonine, an amino acid with similar properties. This amino acid position is poorly conserved in available vertebrate species. In addition, in silico predictors for this gene do not accurately predict pathogenicity. Since supporting evidence is limited at this time, the clinical significance of this alteration remains unclear.